The following is an entry in ClinVar:

NM_005475.3(SH2B3):c.701A>G (p.Asp234Gly)

Gene: SH2B3 (SH2B adaptor protein 3; plus strand). Cytogenetic location: 12q24.12.
Variant type: single nucleotide variant.
Coding change: c.701A>G on transcript NM_005475.3 (MANE Select); coding-DNA position 701, A replaced by G.
Protein change: p.Asp234Gly; replaces aspartic acid 234 with glycine.
Molecular consequence: missense variant.
Genome position (GRCh38, 1-based): chr12:111,418,846, A>G. VCF-style: chr12-111418846-A-G. GRCh37 (hg19) VCF-style: chr12-111856650-A-G.
Other names: short protein forms D234G.
Identifiers: ClinVar variation 3953455 (VCV003953455.1).
Genomic context (GRCh38, chr12:111,418,846, plus strand): 5'-GGGCACGCTGGCAGCGCGGGAGGCTGGCGCTGCGCCGGGCCCCGGGCCCCGATGGCCCCG[A>G]CCGCGTGCTGGAGCTCTTCGACCCACCCAAGGTAAGTAAGCCCTGCCCGCGGGGTTGCGC-3'
Protein context (NP_005466.1, residues 224-244): LRRAPGPDGP[Asp234Gly]RVLELFDPPK

ClinVar aggregate classification (germline): Uncertain significance (1 of 4 stars; one submission).

Conditions:
Inborn genetic diseases. Identifiers: MedGen C0950123, MeSH D030342.

Submission:

Ambry Genetics
Classification: Uncertain significance for Inborn genetic diseases. Last evaluated: 2025-04-17. Review status: criteria provided, single submitter. Criteria: Ambry Variant Classification Scheme 2023. Collection method: clinical testing. Allele origin: germline.
Comment: The p.D234G variant (also known as c.701A>G), located in coding exon 1 of the SH2B3 gene, results from an A to G substitution at nucleotide position 701. The aspartic acid at codon 234 is replaced by glycine, an amino acid with similar properties. This amino acid position is conserved. In addition, this alteration is predicted to be tolerated by in silico analysis. Based on the available evidence, the clinical significance of this variant remains unclear.